The following is an entry in ClinVar:

ClinVar aggregate classification (germline): Uncertain significance (1 of 4 stars; one submission).

Conditions:
Amyotrophic lateral sclerosis type 4 (ALS4). Also called: AMYOTROPHIC LATERAL SCLEROSIS 4, JUVENILE; NEURONOPATHY, DISTAL HEREDITARY MOTOR, WITH PYRAMIDAL FEATURES. Identifiers: Orphanet 357043, MedGen C1865409, MONDO:0011223, OMIM 602433.
Spinocerebellar ataxia, autosomal recessive, with axonal neuropathy 2 (SCAN2). Also called: ATAXIA-OCULOMOTOR APRAXIA 2; Ataxia-ocular apraxia-2; Ataxia with Oculomotor Apraxia Type 2; Ataxia with Oculomotor Apraxia. Identifiers: Orphanet 64753, MedGen C1853761, MONDO:0018996, OMIM 606002.

Submission:

Labcorp Genetics (formerly Invitae), Labcorp
Classification: Uncertain significance for Amyotrophic lateral sclerosis type 4; Spinocerebellar ataxia, autosomal recessive, with axonal neuropathy 2. Last evaluated: 2023-08-11. Review status: criteria provided, single submitter. Criteria: Invitae Variant Classification Sherloc (09022015). Collection method: clinical testing. Allele origin: germline.
Comment: This variant is not present in population databases (gnomAD no frequency). This sequence change replaces serine, which is neutral and polar, with leucine, which is neutral and non-polar, at codon 1394 of the SETX protein (p.Ser1394Leu). This variant has not been reported in the literature in individuals affected with SETX-related conditions. Advanced modeling of protein sequence and biophysical properties (such as structural, functional, and spatial information, amino acid conservation, physicochemical variation, residue mobility, and thermodynamic stability) performed at Invitae indicates that this missense variant is not expected to disrupt SETX protein function. In summary, the available evidence is currently insufficient to determine the role of this variant in disease. Therefore, it has been classified as a Variant of Uncertain Significance.

NM_015046.7(SETX):c.4181C>T (p.Ser1394Leu)

Gene: SETX (senataxin; minus strand). Cytogenetic location: 9q34.13.
Variant type: single nucleotide variant.
Coding change: c.4181C>T on transcript NM_015046.7 (MANE Select); coding-DNA position 4181, C replaced by T.
Protein change: p.Ser1394Leu; replaces serine 1394 with leucine.
Molecular consequence: missense variant.
Genome position (GRCh38, 1-based): chr9:132,327,417, G>A on the plus strand (C>T on the coding strand, the complement: SETX is on the minus strand). VCF-style: chr9-132327417-G-A. GRCh37 (hg19) VCF-style: chr9-135202804-G-A.
Other names: c.4181C>T, p.Ser1394Leu (NM_001351527.2, NM_001351528.2); short protein forms S1394L.
Identifiers: ClinVar variation 2939665 (VCV002939665.3), dbSNP rs2539099025, ClinGen allele CA375327059.
Genomic context (GRCh38, chr9:132,327,417, plus strand): 5'-ATTAACTGTTTTCTGTTACTGTTGGCAAGTACCTCAGTTCCTCCTGTACAATTATAATCT[G>A]ACCTATCAGATTCTGGTACAAATATGTCAGAATTCTGTGCTGTATGTGACCCTGCTCTTT-3'
Protein context (NP_055861.3, residues 1384-1404): SDIFVPESDR[Ser1394Leu]DYNCTGGTEV